The following is an entry in ClinVar:

ClinVar aggregate classification (germline): Uncertain significance (1 of 4 stars; one submission).

Conditions:
Amelocerebrohypohidrotic syndrome (KTZS). Also called: Kohlschutter's syndrome; EPILEPSY AND YELLOW TEETH; EPILEPSY, DEMENTIA, AND AMELOGENESIS IMPERFECTA; KOHLSCHUTTER SYNDROME. Identifiers: Orphanet 1946, MedGen C0406740, MONDO:0009185, OMIM 226750.

gnomAD v4.1: 4 of 1,606,386 alleles (0.00025%); highest among the groups gnomAD compares: Non-Finnish European, 0.00034%; no homozygotes.

Submission:

Labcorp Genetics (formerly Invitae), Labcorp
Classification: Uncertain significance for Amelocerebrohypohidrotic syndrome. Last evaluated: 2020-04-27. Review status: criteria provided, single submitter. Criteria: Invitae Variant Classification Sherloc (09022015). Collection method: clinical testing. Allele origin: germline.
Comment: This variant has not been reported in the literature in individuals with ROGDI-related conditions. This sequence change replaces isoleucine with methionine at codon 62 of the ROGDI protein (p.Ile62Met). The isoleucine residue is moderately conserved and there is a small physicochemical difference between isoleucine and methionine. This variant is not present in population databases (ExAC no frequency). Algorithms developed to predict the effect of missense changes on protein structure and function (SIFT, PolyPhen-2, Align-GVGD) all suggest that this variant is likely to be tolerated, but these predictions have not been confirmed by published functional studies and their clinical significance is uncertain. In summary, the available evidence is currently insufficient to determine the role of this variant in disease. Therefore, it has been classified as a Variant of Uncertain Significance.

NM_024589.3(ROGDI):c.186C>G (p.Ile62Met)

Gene: ROGDI (rogdi atypical leucine zipper; minus strand). Cytogenetic location: 16p13.3.
Variant type: single nucleotide variant.
Coding change: c.186C>G on transcript NM_024589.3 (MANE Select); coding-DNA position 186, C replaced by G.
Protein change: p.Ile62Met; replaces isoleucine 62 with methionine.
Molecular consequence: missense variant. On other transcripts: non-coding transcript variant (1).
Genome position (GRCh38, 1-based): chr16:4,801,517, G>C on the plus strand (C>G on the coding strand, the complement: ROGDI is on the minus strand). VCF-style: chr16-4801517-G-C. GRCh37 (hg19) VCF-style: chr16-4851518-G-C.
Other names: short protein forms I62M.
Identifiers: ClinVar variation 1038008 (VCV001038008.8), dbSNP rs1216877367, ClinGen allele CA394655161.